The following is an entry in ClinVar:

NM_018163.3(DNAJC17):c.451C>G (p.Arg151Gly)

Gene: DNAJC17 (DnaJ heat shock protein family (Hsp40) member C17; minus strand). Cytogenetic location: 15q15.1.
Variant type: single nucleotide variant.
Coding change: c.451C>G on transcript NM_018163.3 (MANE Select); coding-DNA position 451, C replaced by G.
Protein change: p.Arg151Gly; replaces arginine 151 with glycine.
Molecular consequence: missense variant.
Genome position (GRCh38, 1-based): chr15:40,776,223, G>C on the plus strand (C>G on the coding strand, the complement: DNAJC17 is on the minus strand). VCF-style: chr15-40776223-G-C. GRCh37 (hg19) VCF-style: chr15-41068421-G-C.
Other names: short protein forms R151G.
Identifiers: ClinVar variation 2707636 (VCV002707636.3), dbSNP rs774713452, ClinGen allele CA7485151.
Genomic context (GRCh38, chr15:40,776,223, plus strand): 5'-GGAGGGGAGATAGGCGGGGTGATAGACCTGCACCTCTCAACCTCTGGTCACGCTCCTGGC[G>C]TATCTGCTCCCGGATGAGCCTCTGCTGTTCCTCCAGCTGCCGGGAACCCTCTTCTCTCAG-3'
Protein context (NP_060633.1, residues 141-161): EQQRLIREQI[Arg151Gly]QERDQRLRGK

ClinVar aggregate classification (germline): Uncertain significance (1 of 4 stars; one submission).

gnomAD v4.1: 2 of 1,614,066 alleles (0.00012%); highest among the groups gnomAD compares: Non-Finnish European, 0.00017%; no homozygotes.

Submission:

Labcorp Genetics (formerly Invitae), Labcorp
Classification: Uncertain significance. Last evaluated: 2024-01-26. Review status: criteria provided, single submitter. Criteria: Invitae Variant Classification Sherloc (09022015). Collection method: clinical testing. Allele origin: germline.
Comment: This sequence change replaces arginine, which is basic and polar, with glycine, which is neutral and non-polar, at codon 151 of the DNAJC17 protein (p.Arg151Gly). This variant is present in population databases (rs774713452, gnomAD 0.0009%). This variant has not been reported in the literature in individuals affected with DNAJC17-related conditions. An algorithm developed to predict the effect of missense changes on protein structure and function (PolyPhen-2) suggests that this variant is likely to be tolerated. In summary, the available evidence is currently insufficient to determine the role of this variant in disease. Therefore, it has been classified as a Variant of Uncertain Significance.